The following is an entry in ClinVar:

ClinVar aggregate classification (germline): Uncertain significance (1 of 4 stars; one submission).

Allele frequency attached by ClinVar (database versions not stated): gnomAD exomes below 0.00001.
gnomAD v4.1: 1 of 1,575,390 alleles (0.000063%); highest among the groups gnomAD compares: East Asian, 0.0022%; no homozygotes.

Submission:

Labcorp Genetics (formerly Invitae), Labcorp
Classification: Uncertain significance. Last evaluated: 2024-01-29. Review status: criteria provided, single submitter. Criteria: Invitae Variant Classification Sherloc (09022015). Collection method: clinical testing. Allele origin: germline.
Comment: This sequence change affects codon 370 of the RORB mRNA. It is a 'silent' change, meaning that it does not change the encoded amino acid sequence of the RORB protein. It affects a nucleotide within the consensus splice site. This variant is not present in population databases (gnomAD no frequency). This variant has not been reported in the literature in individuals affected with RORB-related conditions. ClinVar contains an entry for this variant (Variation ID: 1348362). Algorithms developed to predict the effect of sequence changes on RNA splicing suggest that this variant is not likely to affect RNA splicing. In summary, the available evidence is currently insufficient to determine the role of this variant in disease. Therefore, it has been classified as a Variant of Uncertain Significance.

NM_006914.4(RORB):c.1110A>T (p.Pro370=)

Gene: RORB (RAR related orphan receptor B; plus strand). Cytogenetic location: 9q21.13.
Variant type: single nucleotide variant.
Coding change: c.1110A>T on transcript NM_006914.4 (MANE Select); coding-DNA position 1110, A replaced by T.
Protein change: p.Pro370=; no amino-acid change (proline 370 retained).
Molecular consequence: synonymous variant.
Genome position (GRCh38, 1-based): chr9:74,667,900, A>T. VCF-style: chr9-74667900-A-T. GRCh37 (hg19) VCF-style: chr9-77282816-A-T.
Other names: c.1143A>T, p.Pro381= (NM_001365023.1).
Identifiers: ClinVar variation 1348362 (VCV001348362.6), dbSNP rs2118533125, ClinGen allele CA465551793.